The following is an entry in ClinVar:

ClinVar aggregate classification (germline): Likely benign. Review status: criteria provided, multiple submitters, no conflicts (2 of 4 stars). 2 submissions from 2 submitters: Likely benign (2). Last evaluated 2025-12-03.

Allele frequency attached by ClinVar (database versions not stated): TOPMed below 0.00001; ExAC 0.00001; gnomAD 0.00001; gnomAD exomes 0.00001.
gnomAD v4.1: 12 of 1,599,764 alleles (0.00075%); highest among the groups gnomAD compares: East Asian, 0.0045%; no homozygotes.

Submissions (2):

Labcorp Genetics (formerly Invitae), Labcorp
Classification: Likely benign. Last evaluated: 2025-12-03. Review status: criteria provided, single submitter. Criteria: Invitae Variant Classification Sherloc (09022015). Collection method: clinical testing. Allele origin: germline.

Laboratorio de Genetica e Diagnostico Molecular, Hospital Israelita Albert Einstein
Classification: Likely benign. Last evaluated: 2020-03-28. Review status: criteria provided, single submitter. Criteria: ACMG Guidelines, 2015. Collection method: clinical testing. Allele origin: germline. Affected: yes.
Comment: ACMG classification criteria: PM2, BP1, BP4

NM_001371928.1(AHDC1):c.3196G>A (p.Gly1066Ser)

Gene: AHDC1 (AT-hook DNA binding motif containing 1; minus strand). Cytogenetic location: 1p36.11.
Variant type: single nucleotide variant.
Coding change: c.3196G>A on transcript NM_001371928.1 (MANE Select); coding-DNA position 3196, G replaced by A.
Protein change: p.Gly1066Ser; replaces glycine 1066 with serine.
Molecular consequence: missense variant.
Genome position (GRCh38, 1-based): chr1:27,548,920, C>T on the plus strand (G>A on the coding strand, the complement: AHDC1 is on the minus strand). VCF-style: chr1-27548920-C-T. GRCh37 (hg19) VCF-style: chr1-27875431-C-T.
Other names: c.3196G>A, p.Gly1066Ser (NM_001029882.3); short protein forms G1066S.
Identifiers: ClinVar variation 1690845 (VCV001690845.4), dbSNP rs768244851, ClinGen allele CA715602.
Genomic context (GRCh38, chr1:27,548,920, plus strand): 5'-AGGCGGCAGAGGCTGCAGAGGTGGCAGAGGCTGTGGTGCCCTTGGGTACCATGTAGCCAC[C>T]GGGCGAGACTGTGCTGGCCCGGCTGTCACAGCGCAGGGGCGTGGGGGCTGAACCAGAGAA-3'
Protein context (NP_001358857.1, residues 1056-1076): CDSRASTVSP[Gly1066Ser]GYMVPKGTTA